The following is an entry in ClinVar:

ClinVar aggregate classification (germline): Likely benign. Review status: criteria provided, multiple submitters, no conflicts (2 of 4 stars). 2 submissions from 2 submitters: Likely benign (2). Last evaluated 2025-02-07.

Conditions:
Colorectal cancer, susceptibility to, 12 (CRCS12). Also called: COLORECTAL CANCER, SUSCEPTIBILITY TO, ON CHROMOSOME 12q24. Identifiers: Orphanet 220460, MedGen C3554460, MONDO:0014038, OMIM 615083.

Allele frequency attached by ClinVar (database versions not stated): TOPMed below 0.00001; gnomAD 0.00001.
gnomAD v4.1: 1 of 1,592,864 alleles (0.000063%); highest among the groups gnomAD compares: Middle Eastern, 0.017%; no homozygotes.

Submissions (2):

Myriad Genetics, Inc.
Classification: Likely benign for Colorectal cancer, susceptibility to, 12. Last evaluated: 2025-02-07. Review status: criteria provided, single submitter. Criteria: Myriad Autosomal Dominant, Autosomal Recessive and X-Linked Classification Criteria (2023). Collection method: clinical testing. Allele origin: unknown.
Comment: This variant is considered likely benign. This variant is intronic and is not expected to impact mRNA splicing.

Labcorp Genetics (formerly Invitae), Labcorp
Classification: Likely benign. Last evaluated: 2023-12-12. Review status: criteria provided, single submitter. Criteria: Invitae Variant Classification Sherloc (09022015). Collection method: clinical testing. Allele origin: germline.

NM_006231.4(POLE):c.909+9G>T

Gene: POLE (DNA polymerase epsilon, catalytic subunit; minus strand). Cytogenetic location: 12q24.33.
Variant type: single nucleotide variant.
Coding change: c.909+9G>T on transcript NM_006231.4 (MANE Select); 9 bases into the intron after coding-DNA position 909, G replaced by T.
Molecular consequence: intron variant.
Genome position (GRCh38, 1-based): chr12:132,676,537, C>A on the plus strand (G>T on the coding strand, the complement: POLE is on the minus strand). VCF-style: chr12-132676537-C-A. GRCh37 (hg19) VCF-style: chr12-133253123-C-A.
Identifiers: ClinVar variation 1155887 (VCV001155887.10), dbSNP rs1330159531, ClinGen allele CA685565158.